The following is an entry in ClinVar:

NM_000153.4(GALC):c.1664A>G (p.Tyr555Cys)

Gene: GALC (galactosylceramidase; minus strand). Cytogenetic location: 14q31.3.
Variant type: single nucleotide variant.
Coding change: c.1664A>G on transcript NM_000153.4 (MANE Select); coding-DNA position 1664, A replaced by G.
Protein change: p.Tyr555Cys; replaces tyrosine 555 with cysteine.
Molecular consequence: missense variant.
Genome position (GRCh38, 1-based): chr14:87,945,559, T>C on the plus strand (A>G on the coding strand, the complement: GALC is on the minus strand). VCF-style: chr14-87945559-T-C. GRCh37 (hg19) VCF-style: chr14-88411903-T-C.
Other names: c.1595A>G, p.Tyr532Cys (NM_001201401.2); c.1586A>G, p.Tyr529Cys (NM_001201402.2); short protein forms Y529C, Y532C, Y555C.
Identifiers: ClinVar variation 2306786 (VCV002306786.3), dbSNP rs1428571249, ClinGen allele CA390745959.

ClinVar aggregate classification (germline): Conflicting classifications of pathogenicity. Review status: criteria provided, conflicting classifications (1 of 4 stars). 2 submissions from 2 submitters: Likely pathogenic (1); Uncertain significance (1). Last evaluated 2024-02-01.

Conditions:
Galactosylceramide beta-galactosidase deficiency. Also called: GALACTOCEREBROSIDASE DEFICIENCY; GALC DEFICIENCY; GLOBOID CELL LEUKOENCEPHALOPATHY; Leukodystrophy, Globoid Cell; Krabbe Disease. Identifiers: Orphanet 487, MedGen C0023521, MONDO:0009499, OMIM 245200.
Inborn genetic diseases. Identifiers: MedGen C0950123, MeSH D030342.

gnomAD v4.1: 3 of 1,594,090 alleles (0.00019%); highest among the groups gnomAD compares: Admixed American, 0.0033%; no homozygotes.

Submissions (2):

Neuberg Centre For Genomic Medicine, NCGM
Classification: Likely pathogenic for Galactosylceramide beta-galactosidase deficiency. Last evaluated: 2024-02-01. Review status: criteria provided, single submitter. Criteria: ACMG Guidelines, 2015. Collection method: clinical testing. Allele origin: germline. Inheritance: Autosomal recessive inheritance.
Comment: The amino acid Tyr at position 555 is changed to a Cys changing protein sequence and it might alter its composition and physico-chemical properties. Experimental evidence: a homozygous missense mutation at c.1664C >G (p.Y555C) in exon 14 was observed along with undetectable enzyme activities of β-galactocerebrosidase for the first time in a patient with Krabbe disease (Vadakedath & Kandi, 2020).

Ambry Genetics
Classification: Uncertain significance for Inborn genetic diseases. Last evaluated: 2022-08-12. Review status: criteria provided, single submitter. Criteria: Ambry Variant Classification Scheme 2023. Collection method: clinical testing. Allele origin: germline.